The following is an entry in ClinVar:

NM_003803.4(MYOM1):c.3109G>A (p.Ala1037Thr)

Gene: MYOM1 (myomesin 1; minus strand). Cytogenetic location: 18p11.31.
Variant type: single nucleotide variant.
Coding change: c.3109G>A on transcript NM_003803.4 (MANE Select); coding-DNA position 3109, G replaced by A.
Protein change: p.Ala1037Thr; replaces alanine 1037 with threonine.
Molecular consequence: missense variant.
Genome position (GRCh38, 1-based): chr18:3,119,878, C>T on the plus strand (G>A on the coding strand, the complement: MYOM1 is on the minus strand). VCF-style: chr18-3119878-C-T. GRCh37 (hg19) VCF-style: chr18-3119876-C-T.
Other names: c.2821G>A, p.Ala941Thr (NM_019856.2); short protein forms A1037T, A941T.
Identifiers: ClinVar variation 454445 (VCV000454445.8), dbSNP rs199817096, ClinGen allele CA8874426.
Genomic context (GRCh38, chr18:3,119,878, plus strand): 5'-TCTTGGAGGAAATTCCGAGGTGCGGTGTGGAGGCAGGTGTCTGTGGTTTACCTGGGACGG[C>T]GATGGTCCACTCTTCACATTTGAAGCATTCGCTTACTGCGGAGGGCGCGCCCAGCCCAGC-3'
Protein context (NP_003794.3, residues 1027-1047): ECFKCEEWTI[Ala1037Thr]VPGPPHSLKC

ClinVar aggregate classification (germline): Uncertain significance. Review status: criteria provided, multiple submitters, no conflicts (2 of 4 stars). 2 submissions from 2 submitters: Uncertain significance (2). Last evaluated 2025-11-11.

Conditions:
Hypertrophic cardiomyopathy. Also called: HYPERTROPHIC MYOCARDIOPATHY. Identifiers: Orphanet 217569, MedGen C0007194, MeSH D002312, MONDO:0005045, HP:0001639.

Allele frequency attached by ClinVar (database versions not stated): gnomAD exomes 0.00002 and 0.00006; ExAC 0.00008; TOPMed 0.00015; gnomAD 0.00023 and 0.00024; ESP Exome Variant Server 0.00041.
gnomAD v4.1: 70 of 1,606,390 alleles (0.0044%); highest among the groups gnomAD compares: African/African-American, 0.083%; no homozygotes.

Submissions (2):

Labcorp Genetics (formerly Invitae), Labcorp
Classification: Uncertain significance for Hypertrophic cardiomyopathy. Last evaluated: 2025-11-11. Review status: criteria provided, single submitter. Criteria: Invitae Variant Classification Sherloc (09022015). Collection method: clinical testing. Allele origin: germline.
Comment: This sequence change replaces alanine, which is neutral and non-polar, with threonine, which is neutral and polar, at codon 1037 of the MYOM1 protein (p.Ala1037Thr). This variant is present in population databases (rs199817096, gnomAD 0.06%), and has an allele count higher than expected for a pathogenic variant. This variant has not been reported in the literature in individuals affected with MYOM1-related conditions. ClinVar contains an entry for this variant (Variation ID: 454445). Invitae Evidence Modeling of protein sequence and biophysical properties (such as structural, functional, and spatial information, amino acid conservation, physicochemical variation, residue mobility, and thermodynamic stability) indicates that this missense variant is expected to disrupt MYOM1 protein function with a positive predictive value of 80%. In summary, the available evidence is currently insufficient to determine the role of this variant in disease. Therefore, it has been classified as a Variant of Uncertain Significance.

Ambry Genetics
Classification: Uncertain significance. Last evaluated: 2025-08-25. Review status: criteria provided, single submitter. Criteria: Ambry Variant Classification Scheme 2023. Collection method: clinical testing. Allele origin: germline.